The following is an entry in ClinVar:

ClinVar aggregate classification (germline): Pathogenic. Review status: reviewed by expert panel (3 of 4 stars). 4 submissions from 4 submitters: Pathogenic (1). 3 of the submissions do not count toward it. Last evaluated 2016-10-18.

Conditions:
Hereditary cancer-predisposing syndrome. Also called: Hereditary Cancer Syndrome; Neoplastic Syndromes, Hereditary; Tumor predisposition; Hereditary neoplastic syndrome. Identifiers: Orphanet 140162, MedGen C0027672, MeSH D009386, MONDO:0015356.
Breast-ovarian cancer, familial, susceptibility to, 2 (BROVCA2). Also called: BRCA2 Hereditary Breast and Ovarian Cancer. Identifiers: Orphanet 145, MedGen C2675520, MONDO:0012933, OMIM 612555. Disease mechanism: loss of function.
Hereditary breast ovarian cancer syndrome. Also called: Hereditary breast and/or ovarian cancer syndrome; BRCA1- and BRCA2-Associated Hereditary Breast and Ovarian Cancer; Hereditary breast and ovarian cancer syndrome (HBOC); Hereditary breast and ovarian cancer; Hereditary breast and ovarian cancer syndrome; Breast and ovarian cancer. Identifiers: Orphanet 145, MedGen C0677776, MeSH D061325, MONDO:0003582. Disease mechanism: loss of function.

Submissions (4):

Evidence-based Network for the Interpretation of Germline Mutant Alleles (ENIGMA)
Classification: Pathogenic for Breast-ovarian cancer, familial, susceptibility to, 2. Last evaluated: 2016-10-18. Review status: reviewed by expert panel. Criteria: ENIGMA BRCA1/2 Classification Criteria (2015). Collection method: curation. Allele origin: germline.
Comment: Variant allele predicted to encode a truncated non-functional protein.

Labcorp Genetics (formerly Invitae), Labcorp
Classification: Pathogenic for Hereditary breast ovarian cancer syndrome. Last evaluated: 2024-05-18. Review status: criteria provided, single submitter. Criteria: Invitae Variant Classification Sherloc (09022015). Collection method: clinical testing. Allele origin: germline. Not counted in ClinVar's aggregate classification.
Comment: This sequence change creates a premature translational stop signal (p.Arg2112Glufs*17) in the BRCA2 gene. It is expected to result in an absent or disrupted protein product. Loss-of-function variants in BRCA2 are known to be pathogenic (PMID: 20104584). This variant is not present in population databases (gnomAD no frequency). This premature translational stop signal has been observed in individual(s) with breast and/or ovarian cancer (PMID: 29470806). ClinVar contains an entry for this variant (Variation ID: 232206). For these reasons, this variant has been classified as Pathogenic.

Ambry Genetics
Classification: Pathogenic for Hereditary cancer-predisposing syndrome. Last evaluated: 2023-12-15. Review status: criteria provided, single submitter. Criteria: Ambry Variant Classification Scheme 2023. Collection method: clinical testing. Allele origin: germline. Not counted in ClinVar's aggregate classification.
Comment: The c.6332dupA pathogenic mutation, located in coding exon 10 of the BRCA2 gene, results from a duplication of A at nucleotide position 6332, causing a translational frameshift with a predicted alternate stop codon (p.R2112Efs*17). This alteration is expected to result in loss of function by premature protein truncation or nonsense-mediated mRNA decay. As such, this alteration is interpreted as a disease-causing mutation.

Consortium of Investigators of Modifiers of BRCA1/2 (CIMBA), c/o University of Cambridge
Classification: Pathogenic for Breast-ovarian cancer, familial, susceptibility to, 2. Last evaluated: 2015-10-02. Review status: criteria provided, single submitter. Criteria: CIMBA Mutation Classification guidelines May 2016. Collection method: clinical testing. Allele origin: germline. Not counted in ClinVar's aggregate classification.

Literature cited by the submitters: PubMed 20104584 (cited by Labcorp Genetics (formerly Invitae), Labcorp); PubMed 29470806 (cited by Labcorp Genetics (formerly Invitae), Labcorp).

NM_000059.4(BRCA2):c.6332dup (p.Arg2112fs)

Gene: BRCA2 (BRCA2 DNA repair associated; plus strand). Cytogenetic location: 13q13.1.
Variant type: Duplication.
Coding change: c.6332dup on transcript NM_000059.4 (MANE Select); coding-DNA position 6332, one base duplicated (A; older notation c.6332dupA).
Protein change: p.Arg2112fs; shifts the reading frame from arginine 2112.
Molecular consequence: frameshift variant.
Genome position (GRCh38, 1-based): chr13:32,340,687, A duplicated; the last of 2 consecutive A bases (chr13:32,340,686-32,340,687); duplicating either gives the same sequence. VCF-style (leftmost placement, unchanged base first): chr13-32340685-T-TA. GRCh37 (hg19) VCF-style: chr13-32914822-T-TA.
Other names: 6560dupA; c.6332dupA (NM_000059.3); short protein forms R2112fs.
Identifiers: ClinVar variation 232206 (VCV000232206.14), dbSNP rs876659617, ClinGen allele CA10579689.
Genomic context (GRCh38, chr13:32,340,685, plus strand): 5'-TAGTCTTCACTATTCACCTACGTCTAGACAAAATGTATCAAAAATACTTCCTCGTGTTGA[T>TA]AAGAGAAACCCAGAGCACTGTGTAAACTCAGAAATGGAAAAAACCTGCAGTAAAGAATTT-3'